The following is an entry in ClinVar:

NM_003873.7(NRP1):c.531C>A (p.Val177=)

Genes: NRP1 (neuropilin 1; minus strand), LOC126860910 (P300/CBP strongly-dependent group 1 enhancer GRCh37_chr10:33552654-33553853; plus strand). Cytogenetic location: 10p11.22.
Variant type: single nucleotide variant.
Coding change: c.531C>A on transcript NM_003873.7 (MANE Select); coding-DNA position 531, C replaced by A.
Protein change: p.Val177=; no amino-acid change (valine 177 retained).
Molecular consequence: synonymous variant. On other transcripts: non-coding transcript variant (1).
Genome position (GRCh38, 1-based): chr10:33,263,773, G>T on the plus strand (C>A on the coding strand, the complement: NRP1 is on the minus strand). VCF-style: chr10-33263773-G-T. GRCh37 (hg19) VCF-style: chr10-33552701-G-T.
Other names: c.531C>A, p.Val177= (NM_001024628.3, NM_001024629.3, NM_001244972.2 and 2 more transcripts).
Identifiers: ClinVar variation 3041270 (VCV003041270.2), dbSNP rs2492722963, ClinGen allele CA468981506.
Genomic context (GRCh38, chr10:33,263,773, plus strand): 5'-GTCAGGCTCCAGGTCAAAGCTTTCAAATTCCAGGATAATCTCTGACATCTTTGGCACAAA[G>T]ACAATATAAGTGCATTCAAGGCTGTTGGGATATTTTTCAGGGAATCCGGGGGACTTTATC-3'
Protein context (NP_003864.5, residues 167-187): YPNSLECTYI[Val177=]FVPKMSEIIL

ClinVar aggregate classification (germline): Likely benign (0 of 4 stars; one submission).

Conditions:
NRP1-related disorder. Also called: NRP1-related condition.

Submission:

PreventionGenetics, part of Exact Sciences
Classification: Likely benign for NRP1-related condition. Last evaluated: 2019-05-14. Review status: no assertion criteria provided. Collection method: clinical testing. Allele origin: germline.
Comment: This variant is classified as likely benign based on ACMG/AMP sequence variant interpretation guidelines (Richards et al. 2015 PMID: 25741868, with internal and published modifications).